The following is an entry in ClinVar:

NM_005343.4(HRAS):c.552dup (p.Lys185fs)

Genes: HRAS (HRas proto-oncogene, GTPase; minus strand), LRRC56 (leucine rich repeat containing 56; plus strand). Cytogenetic location: 11p15.5.
Variant type: Duplication.
Coding change: c.552dup on transcript NM_005343.4 (MANE Select); coding-DNA position 552, one base duplicated (C; older notation c.552dupC).
Protein change: p.Lys185fs; shifts the reading frame from lysine 185.
Molecular consequence: frameshift variant. On other transcripts: 3 prime UTR variant (1).
Genome position (GRCh38, 1-based): chr11:532,654, G duplicated on the plus strand (C on the coding strand, the reverse complement: HRAS is on the minus strand). VCF-style (leftmost placement, unchanged base first): chr11-532653-T-TG. GRCh37 (hg19) VCF-style: chr11-532653-T-TG.
Other names: c.552dupC (NM_005343.2); c.552dup, p.Lys185fs (NM_001130442.3); c.315dup, p.Lys106fs (NM_001318054.2); c.*121dup (NM_176795.5); short protein forms K185fs, K106fs.
Identifiers: ClinVar variation 531191 (VCV000531191.7), dbSNP rs1554884418, ClinGen allele CA658797554.

ClinVar aggregate classification (germline): Uncertain significance (1 of 4 stars; one submission).

Conditions:
Costello syndrome (CSTLO). Also called: HRAS-Related Costello Syndrome; FACIOCUTANEOSKELETAL SYNDROME; FCS SYNDROME. Identifiers: Orphanet 3071, MedGen C0587248, MONDO:0009026, OMIM 218040.

Submission:

Labcorp Genetics (formerly Invitae), Labcorp
Classification: Uncertain significance for Costello syndrome. Last evaluated: 2025-07-07. Review status: criteria provided, single submitter. Criteria: Invitae Variant Classification Sherloc (09022015). Collection method: clinical testing. Allele origin: germline.
Comment: This sequence change is expected to alter the c-terminus of the HRAS protein (p.Lys185Glnfs*). While this is not anticipated to result in nonsense mediated decay, it is expected to disrupt the last 5 amino acid(s) of the HRAS protein and extend the protein by an uncertain number of additional amino acid residues. This variant is not present in population databases (gnomAD no frequency). This variant has not been reported in the literature in individuals affected with HRAS-related conditions. ClinVar contains an entry for this variant (Variation ID: 531191). Experimental studies and prediction algorithms are not available or were not evaluated, and the functional significance of this variant is currently unknown. In summary, the available evidence is currently insufficient to determine the role of this variant in disease. Therefore, it has been classified as a Variant of Uncertain Significance.